The following is an entry in ClinVar:

NM_012318.3(LETM1):c.51C>T (p.Leu17=)

Gene: LETM1 (leucine zipper and EF-hand containing transmembrane protein 1; minus strand). Cytogenetic location: 4p16.3.
Variant type: single nucleotide variant.
Coding change: c.51C>T on transcript NM_012318.3 (MANE Select); coding-DNA position 51, C replaced by T.
Protein change: p.Leu17=; no amino-acid change (leucine 17 retained).
Molecular consequence: synonymous variant.
Genome position (GRCh38, 1-based): chr4:1,855,900, G>A on the plus strand (C>T on the coding strand, the complement: LETM1 is on the minus strand). VCF-style: chr4-1855900-G-A. GRCh37 (hg19) VCF-style: chr4-1857627-G-A.
Identifiers: ClinVar variation 1592224 (VCV001592224.9), dbSNP rs1185311864, ClinGen allele CA437966276.

ClinVar aggregate classification (germline): Likely benign. Review status: criteria provided, multiple submitters, no conflicts (2 of 4 stars). 2 submissions from 2 submitters: Likely benign (2). Last evaluated 2026-09-01.

Allele frequency attached by ClinVar (database versions not stated): TOPMed 0.00024; gnomAD 0.00035.
gnomAD v4.1: 64 of 1,240,266 alleles (0.0052%); highest among the groups gnomAD compares: Admixed American, 0.26%; no homozygotes.

Submissions (2):

CeGaT Center for Human Genetics Tuebingen
Classification: Likely benign. Last evaluated: 2026-09-01. Review status: criteria provided, single submitter. Criteria: CeGaT Center For Human Genetics Tuebingen Variant Classification Criteria Version 2. Collection method: clinical testing. Allele origin: germline. Affected: yes. Observed: 1 variant allele.
Comment: LETM1: BP4, BP7

Labcorp Genetics (formerly Invitae), Labcorp
Classification: Likely benign. Last evaluated: 2025-07-30. Review status: criteria provided, single submitter. Criteria: Invitae Variant Classification Sherloc (09022015). Collection method: clinical testing. Allele origin: germline.